The following is an entry in ClinVar:

ClinVar aggregate classification (germline): Uncertain significance. Review status: criteria provided, multiple submitters, no conflicts (2 of 4 stars). 4 submissions from 4 submitters: Uncertain significance (4). Last evaluated 2024-05-05.

Conditions:
Familial melanoma. Also called: Hereditary melanoma; Hereditary cutaneous melanoma. Identifiers: Orphanet 618, MedGen C1512419, MONDO:0018961.
Hereditary cancer-predisposing syndrome. Also called: Neoplastic Syndromes, Hereditary; Hereditary Cancer Syndrome; Hereditary neoplastic syndrome; Tumor predisposition. Identifiers: Orphanet 140162, MedGen C0027672, MeSH D009386, MONDO:0015356.

Allele frequency attached by ClinVar (database versions not stated): gnomAD 0.00001; gnomAD exomes 0.00001.

Submissions (4):

Ambry Genetics
Classification: Uncertain significance for Hereditary cancer-predisposing syndrome. Last evaluated: 2024-05-05. Review status: criteria provided, single submitter. Criteria: Ambry Variant Classification Scheme 2023. Collection method: clinical testing. Allele origin: germline.
Comment: The p.C202S variant (also known as c.605G>C), located in coding exon 4 of the CDK4 gene, results from a G to C substitution at nucleotide position 605. The cysteine at codon 202 is replaced by serine, an amino acid with dissimilar properties. This amino acid position is highly conserved in available vertebrate species. In addition, this alteration is predicted to be deleterious by in silico analysis. Since supporting evidence is limited at this time, the clinical significance of this alteration remains unclear.

Labcorp Genetics (formerly Invitae), Labcorp
Classification: Uncertain significance for Familial melanoma. Last evaluated: 2023-11-14. Review status: criteria provided, single submitter. Criteria: Invitae Variant Classification Sherloc (09022015). Collection method: clinical testing. Allele origin: germline.
Comment: This sequence change replaces cysteine, which is neutral and slightly polar, with serine, which is neutral and polar, at codon 202 of the CDK4 protein (p.Cys202Ser). This variant is present in population databases (no rsID available, gnomAD 0.007%). This variant has not been reported in the literature in individuals affected with CDK4-related conditions. ClinVar contains an entry for this variant (Variation ID: 463471). Advanced modeling of protein sequence and biophysical properties (such as structural, functional, and spatial information, amino acid conservation, physicochemical variation, residue mobility, and thermodynamic stability) performed at Invitae indicates that this missense variant is expected to disrupt CDK4 protein function with a positive predictive value of 95%. In summary, the available evidence is currently insufficient to determine the role of this variant in disease. Therefore, it has been classified as a Variant of Uncertain Significance.

GeneDx
Classification: Uncertain significance. Last evaluated: 2021-08-16. Review status: criteria provided, single submitter. Criteria: GeneDx Variant Classification Process June 2021. Collection method: clinical testing. Allele origin: germline. Affected: yes.
Comment: Not observed at significant frequency in large population cohorts (gnomAD); In silico analysis supports that this missense variant has a deleterious effect on protein structure/function; Has not been previously published as pathogenic or benign to our knowledge

Women's Health and Genetics/Laboratory Corporation of America, LabCorp
Classification: Uncertain significance. Last evaluated: 2021-07-05. Review status: criteria provided, single submitter. Criteria: LabCorp Variant Classification Summary - May 2015. Collection method: clinical testing. Allele origin: germline.
Comment: Variant summary: CDK4 c.605G>C (p.Cys202Ser) results in a non-conservative amino acid change located in the Protein kinase domain (IPR000719) of the encoded protein sequence. Five of five in-silico tools predict a damaging effect of the variant on protein function. The variant was absent in 251496 control chromosomes. The available data on variant occurrences in the general population are insufficient to allow any conclusion about variant significance. To our knowledge, no occurrence of c.605G>C in individuals affected with Cutaneous Malignant Melanoma and no experimental evidence demonstrating its impact on protein function have been reported. Two clinical diagnostic laboratories have submitted clinical-significance assessments for this variant to ClinVar after 2014 without evidence for independent evaluation. All laboratories classified the variant as uncertain significance. Based on the evidence outlined above, the variant was classified as uncertain significance.

NM_000075.4(CDK4):c.605G>C (p.Cys202Ser)

Gene: CDK4 (cyclin dependent kinase 4; minus strand). Cytogenetic location: 12q14.1.
Variant type: single nucleotide variant.
Coding change: c.605G>C on transcript NM_000075.4 (MANE Select); coding-DNA position 605, G replaced by C.
Protein change: p.Cys202Ser; replaces cysteine 202 with serine.
Molecular consequence: missense variant.
Genome position (GRCh38, 1-based): chr12:57,750,683, C>G on the plus strand (G>C on the coding strand, the complement: CDK4 is on the minus strand). VCF-style: chr12-57750683-C-G. GRCh37 (hg19) VCF-style: chr12-58144466-C-G.
Other names: short protein forms C202S.
Identifiers: ClinVar variation 463471 (VCV000463471.16), dbSNP rs1424791303, ClinGen allele CA385545648.